The following is an entry in ClinVar:

NM_177550.5(SLC13A5):c.1258C>G (p.Leu420Val)

Gene: SLC13A5 (solute carrier family 13 member 5; minus strand). Cytogenetic location: 17p13.1.
Variant type: single nucleotide variant.
Coding change: c.1258C>G on transcript NM_177550.5 (MANE Select); coding-DNA position 1258, C replaced by G.
Protein change: p.Leu420Val; replaces leucine 420 with valine.
Molecular consequence: missense variant.
Genome position (GRCh38, 1-based): chr17:6,693,061, G>C on the plus strand (C>G on the coding strand, the complement: SLC13A5 is on the minus strand). VCF-style: chr17-6693061-G-C. GRCh37 (hg19) VCF-style: chr17-6596380-G-C.
Other names: c.1258C>G, p.Leu420Val (NM_001143838.3); c.1207C>G, p.Leu403Val (NM_001284509.2); c.1129C>G, p.Leu377Val (NM_001284510.2); short protein forms L420V, L403V, L377V.
Identifiers: ClinVar variation 1979502 (VCV001979502.1), dbSNP rs1973453486, ClinGen allele CA397740950.

ClinVar aggregate classification (germline): Uncertain significance (1 of 4 stars; one submission).

Conditions:
Developmental and epileptic encephalopathy, 25 (DEE25). Also called: Epileptic encephalopathy, early infantile, 25; Developmental and epileptic encephalopathy 25, with amelogenesis imperfecta; Epileptic encephalopathy, early infantile, 25, with amelogenesis imperfecta. Identifiers: Orphanet 442835, MedGen C4014621, MONDO:0014392, OMIM 615905.

Allele frequency attached by ClinVar (database versions not stated): gnomAD exomes below 0.00001.
gnomAD v4.1: 2 of 1,614,174 alleles (0.00012%); highest among the groups gnomAD compares: African/African-American, 0.0013%; no homozygotes.

Submission:

Labcorp Genetics (formerly Invitae), Labcorp
Classification: Uncertain significance for Developmental and epileptic encephalopathy, 25. Last evaluated: 2022-03-28. Review status: criteria provided, single submitter. Criteria: Invitae Variant Classification Sherloc (09022015). Collection method: clinical testing. Allele origin: germline.
Comment: This sequence change replaces leucine, which is neutral and non-polar, with valine, which is neutral and non-polar, at codon 420 of the SLC13A5 protein (p.Leu420Val). This variant is not present in population databases (gnomAD no frequency). This variant has not been reported in the literature in individuals affected with SLC13A5-related conditions. Algorithms developed to predict the effect of missense changes on protein structure and function output the following: SIFT: "Deleterious"; PolyPhen-2: "Benign"; Align-GVGD: "Class C0". The valine amino acid residue is found in multiple mammalian species, which suggests that this missense change does not adversely affect protein function. In summary, the available evidence is currently insufficient to determine the role of this variant in disease. Therefore, it has been classified as a Variant of Uncertain Significance.